The following is an entry in ClinVar:

NC_000023.11:g.110250890_110665082del

Genes: AMMECR1 (AMMECR nuclear protein 1; minus strand), CRIPTO3 (cripto, EGF-CFC family member 3; plus strand), GNG5B (G protein subunit gamma 5B; minus strand), RTL9 (retrotransposon Gag like 9; plus strand), LOC130068552 (ATAC-STARR-seq lymphoblastoid active region 29850; plus strand) and 6 more. Cytogenetic location: Xq23.
Variant type: Deletion.
Identifiers: ClinVar variation 446219 (VCV000446219.2).

ClinVar aggregate classification (germline): Pathogenic (0 of 4 stars; one submission).

Conditions:
Midface hypoplasia, hearing impairment, elliptocytosis, and nephrocalcinosis (MFHIEN). Identifiers: Orphanet 688581, MedGen C4310810, MONDO:0010516, OMIM 300990.

Submission:

Genetics Division, Universidade Federal de Sao Paulo
Classification: Pathogenic for Midface hypoplasia, hearing impairment, elliptocytosis, and nephrocalcinosis. Review status: no assertion criteria provided. Collection method: literature only. Allele origin: maternal. Inheritance: X-linked recessive inheritance. Affected: yes. Clinical features observed: Short stature, Intellectual disability, Flat face, Abnormality of the skeletal system, Elliptocytosis.
Comment: They present with short stature, cardiac and skeletal abnormalities and hearing loss. Variants of unknown significance in AMMECR1 in four male patients from two families with partially overlapping phenotypes were previously reported. AMMECR1 is co-expressed with genes implicated in cell cycle regulation, five of which were previously associated with growth and bone alteration syndromes. Our knockdown of the zebrafish orthologous gene resulted in phenotypes reminiscent of patientsâ€™ features. The increased transcript and encoded protein levels of AMMECR1L, an AMMECR1 paralog, in the t(X;9) patientâ€™s cells indicate a partial compensatory mechanism. AMMECR1 and AMMECR1L proteins dimerize and localize to the nucleus as suggested by their nucleic acid-binding RAGNYA folds. Our results suggest that AMMECR1 is potentially involved in cell cycle control and linked to a new syndrome with growth, bone, heart and kidney alterations and elliptocytosis.